The following is an entry in ClinVar:

NM_000051.4(ATM):c.8968G>A (p.Glu2990Lys)

Genes: ATM (ATM serine/threonine kinase; plus strand), C11orf65 (chromosome 11 open reading frame 65; minus strand). Cytogenetic location: 11q22.3.
Variant type: single nucleotide variant.
Coding change: c.8968G>A on transcript NM_000051.4 (MANE Select); coding-DNA position 8968, G replaced by A.
Protein change: p.Glu2990Lys; replaces glutamic acid 2990 with lysine.
Molecular consequence: missense variant. On other transcripts: intron variant (2).
Genome position (GRCh38, 1-based): chr11:108,365,199, G>A. VCF-style: chr11-108365199-G-A. GRCh37 (hg19) VCF-style: chr11-108235926-G-A.
Other names: p.E2990K:GAA>AAA; c.8968G>A, p.Glu2990Lys (NM_001351834.2); c.640+20721C>T (NM_001330368.2); c.694+20721C>T (NM_001351110.2); short protein forms E2990K.
Identifiers: ClinVar variation 127466 (VCV000127466.37), dbSNP rs1800558, ClinGen allele CA287036.

ClinVar aggregate classification (germline): Conflicting classifications of pathogenicity. Review status: criteria provided, conflicting classifications (1 of 4 stars). 13 submissions from 13 submitters: Uncertain significance (8); Likely benign (4). 1 of the submissions does not count toward it. Last evaluated 2026-06-30.

Conditions:
ATM-related disorder. Also called: ATM-related disorders; ATM-related condition.
Hereditary cancer-predisposing syndrome. Also called: Neoplastic Syndromes, Hereditary; Hereditary Cancer Syndrome; Tumor predisposition; Hereditary neoplastic syndrome. Identifiers: Orphanet 140162, MedGen C0027672, MeSH D009386, MONDO:0015356.
Familial cancer of breast. Also called: BREAST CANCER, FAMILIAL; hereditary breast carcinoma; Hereditary breast cancer. Identifiers: Orphanet 227535, MedGen C0346153, MONDO:0016419, OMIM 114480. Disease mechanism: loss of function.
Ataxia-telangiectasia syndrome (AT). Also called: Ataxia-telangiectasia, complementation group D; AT, COMPLEMENTATION GROUP C; Ataxia-telangiectasia; ATAXIA-TELANGIECTASIA, COMPLEMENTATION GROUP A; ATAXIA-TELANGIECTASIA, FRESNO VARIANT; Ataxia-telangiectasia, complementation group E. Identifiers: Orphanet 100, MedGen C0004135, MONDO:0008840, OMIM 208900.
Malignant tumor of breast. Also called: Malignant breast neoplasm; Cancer breast. Identifiers: MedGen C0006142, MONDO:0007254. Disease mechanism: loss of function.

Allele frequency attached by ClinVar (database versions not stated): gnomAD 0.00004; gnomAD exomes 0.00004 and 0.00003; TOPMed 0.00004; ExAC 0.00005.
gnomAD v4.1: 46 of 1,614,102 alleles (0.0028%); highest among the groups gnomAD compares: Non-Finnish European, 0.00059%; no homozygotes.

Submissions 1 to 12 of 13:

PreventionGenetics, part of Exact Sciences
Classification: Likely benign for ATM-related condition. Last evaluated: 2026-06-30. Review status: criteria provided, single submitter. Criteria: ACMG Guidelines, 2015. Collection method: clinical testing. Allele origin: germline.
Comment: This variant is classified as likely benign based on ACMG/AMP sequence variant interpretation guidelines (Richards et al. 2015 PMID: 25741868, with internal and published modifications).

Labcorp Genetics (formerly Invitae), Labcorp
Classification: Likely benign for Ataxia-telangiectasia syndrome. Last evaluated: 2026-01-19. Review status: criteria provided, single submitter. Criteria: Invitae Variant Classification Sherloc (09022015). Collection method: clinical testing. Allele origin: germline.

Women's Health and Genetics/Laboratory Corporation of America, LabCorp
Classification: Likely benign. Last evaluated: 2025-12-21. Review status: criteria provided, single submitter. Criteria: LabCorp Variant Classification Summary - May 2015. Collection method: clinical testing. Allele origin: germline.
Comment: Variant summary: ATM c.8968G>A (p.Glu2990Lys) results in a conservative amino acid change located in the Phosphatidylinositol 3-/4-kinase, catalytic domain (IPR000403) of the encoded protein sequence. Algorithms developed to predict the effect of missense changes on protein structure and function are either unavailable or do not agree on the potential impact of this missense change. The variant allele was found at a frequency of 4.4e-05 in 251400 control chromosomes. This frequency is not significantly higher than estimated for disease-causing variants in ATM, allowing no conclusion about variant significance. c.8968G>A has been reported in the literature in individuals affected with various cancers: Breast cancer (Dorling_2021, Lu_2015), Ovarian cancer (Lu_2015), Leukemia (Lu_2015), Astrocytoma (Muskens_2020), colon cancer (Yurgelun_2015), prostate cancer (Isaacsson Velho_2018), and gastrointestinal cancer (Bhai_2022). However, the variant was also found in 3/7325 European American women over the age of 70 with no history of cancer (FLOSSIES database). These report(s) do not provide unequivocal conclusions about association of the variant with Breast Cancer. At-least one co-occurrence with another pathogenic variant(s) has been reported (BRCA2 c.5946delT, p.Ser1982Argfs*22), providing supporting evidence for a benign role (Bhai_2022). At least one publication reports experimental evidence evaluating an impact on protein function. These results showed no damaging effect of this variant (example: Hanenberg_2025). The following publications have been ascertained in the context of this evaluation (PMID: 25980754, 26689913, 29368341, 33471991, 31970404, 34326862,40105422). ClinVar contains an entry for this variant (Variation ID: 127466). Based on the evidence outlined above, the variant was classified as likely benign.

St. Jude Molecular Pathology, St. Jude Children's Research Hospital
Classification: Uncertain significance for Ataxia-telangiectasia syndrome. Last evaluated: 2025-06-17. Review status: criteria provided, single submitter. Criteria: St. Jude Assertion Criteria 2020. Collection method: clinical testing. Allele origin: germline.
Comment: The ATM c.8968G>A p.(Glu2990Lys) missense change has a maximum founder subpopulation frequency of 0.1% and a maximum non-founder subpopulation frequency of 0.0008% in gnomAD v2.1.1. The in silico tool REVEL predicts a benign effect on protein function, but to our knowledge this prediction has not been confirmed by functional studies. To our knowledge, this variant has not been reported in individuals with ataxia telangiectasia. In summary, the evidence currently available is insufficient to determine the clinical significance of this variant. It has therefore been classified as of uncertain significance.

GeneDx
Classification: Uncertain significance. Last evaluated: 2025-06-13. Review status: criteria provided, single submitter. Criteria: GeneDx Variant Classification Process June 2021. Collection method: clinical testing. Allele origin: germline. Affected: yes.
Comment: In silico analysis suggests that this missense variant does not alter protein structure/function; This variant is associated with the following publications: (PMID: 26689913, 25779943, 25980754, 28873162, 29368341, 28652578, 31970404, 33471991, 29684080, 34326862, 35085662, 36845387, 32885271, 38136308, 23532176)

Ambry Genetics
Classification: Likely benign for Hereditary cancer-predisposing syndrome. Last evaluated: 2025-05-06. Review status: criteria provided, single submitter. Criteria: Ambry Variant Classification Scheme 2023. Collection method: clinical testing. Allele origin: germline.

Quest Diagnostics Nichols Institute San Juan Capistrano
Classification: Uncertain significance. Last evaluated: 2025-04-04. Review status: criteria provided, single submitter. Criteria: Quest Diagnostics criteria. Collection method: clinical testing. Allele origin: unknown.

Color Diagnostics, LLC DBA Color Health
Classification: Uncertain significance for Hereditary cancer-predisposing syndrome. Last evaluated: 2024-06-17. Review status: criteria provided, single submitter. Criteria: ACMG Guidelines, 2015. Collection method: clinical testing. Allele origin: germline.
Comment: This missense variant replaces glutamic acid with lysine at codon 2990 of the ATM protein. Computational prediction suggests that this variant may not impact protein structure and function. To our knowledge, functional studies have not been reported for this variant. In a large international case-control meta-analysis, this variant was reported in 4/60466 breast cancer cases and 2/53461 controls (PMID: 33471991). This variant has also been reported in an individual who underwent testing for hereditary breast and ovarian cancer syndrome (PMID: 38136308), an individual affected with prostate cancer (PMID: 29368341), as well as in three women older than age 70 with no personal history of cancer (FLOSSIES). This variant has been reported in an individual affected with Lynch syndrome-associated cancer and/or polyps with the pathogenic co-variant MSH6 c.3802-14_3809del (PMID: 25980754) and in an individual affected with gastrointestinal cancer with the pathogenic co-variant BRCA2 c.5946del (PMID: 34326862). This variant has been identified in 12/282800 chromosomes (11/10368 Ashkenazi Jewish chromosomes, 0.11%) in the general population by the Genome Aggregation Database (gnomAD). The available evidence is insufficient to determine the role of this variant in disease conclusively. Therefore, this variant is classified as a Variant of Uncertain Significance.

Baylor Genetics
Classification: Uncertain significance for Familial cancer of breast. Last evaluated: 2023-09-24. Review status: criteria provided, single submitter. Criteria: ACMG Guidelines, 2015. Collection method: clinical testing. Allele origin: unknown.

Institute for Biomarker Research, Medical Diagnostic Laboratories, L.L.C.
Classification: Uncertain significance for Hereditary cancer-predisposing syndrome. Last evaluated: 2023-07-19. Review status: criteria provided, single submitter. Criteria: ACMG Guidelines, 2015. Collection method: clinical testing. Allele origin: germline.

Sema4
Classification: Uncertain significance for Hereditary cancer-predisposing syndrome. Last evaluated: 2021-10-31. Review status: criteria provided, single submitter. Criteria: Sema4 Curation Guidelines. Collection method: curation. Allele origin: germline.
Comment: The ATM c.8968G>A (p.E2990K) variant has been reported in individuals with breast cancer, ovarian cancer, AML, prostate cancer, and in a patient who underwent clinical genetic testing for Lynch syndrome (PMID: 26689913, 29368341, 25980754, 33471991). It was observed in 11/10368 chromosomes of the Ashkenazi Jewish subpopulation, with no homozygotes, in the large and broad cohorts of the Genome Aggregation Database (PMID: 32461654). This variant has been reported in ClinVar (Variation ID: 127466). Functional studies have not been performed, and in silico predictions of the variant's effect on protein function are inconclusive. The evidence is insufficient to meet ACMG/AMP criteria for classifying the variant as benign or pathogenic. Thus, the clinical significance of this variant is currently uncertain.

Illumina Laboratory Services, Illumina
Classification: Uncertain significance for Ataxia-telangiectasia syndrome. Last evaluated: 2017-04-28. Review status: criteria provided, single submitter. Criteria: ICSL Variant Classification Criteria 13 December 2019. Collection method: clinical testing. Allele origin: germline.
Comment: This variant was observed as part of a predisposition screen in an ostensibly healthy population. A literature search was performed for the gene, cDNA change, and amino acid change (where applicable). Publications were found based on this search. However, the evidence from the literature, in combination with allele frequency data from public databases where available, was not sufficient to rule this variant in or out of causing disease. Therefore, this variant is classified as a variant of unknown significance.